The following is an entry in ClinVar:

ClinVar aggregate classification (germline): Uncertain significance (1 of 4 stars; one submission).

Conditions:
Hereditary cancer-predisposing syndrome. Also called: Neoplastic Syndromes, Hereditary; Hereditary Cancer Syndrome; Hereditary neoplastic syndrome; Tumor predisposition. Identifiers: Orphanet 140162, MedGen C0027672, MeSH D009386, MONDO:0015356.

Submission:

Ambry Genetics
Classification: Uncertain significance for Hereditary cancer-predisposing syndrome. Last evaluated: 2023-05-13. Review status: criteria provided, single submitter. Criteria: Ambry Variant Classification Scheme 2023. Collection method: clinical testing. Allele origin: germline.
Comment: The p.D1411H variant (also known as c.4231G>C), located in coding exon 23 of the PTCH1 gene, results from a G to C substitution at nucleotide position 4231. The aspartic acid at codon 1411 is replaced by histidine, an amino acid with similar properties. This amino acid position is conserved. In addition, this alteration is predicted to be deleterious by in silico analysis. Since supporting evidence is limited at this time, the clinical significance of this alteration remains unclear.

NM_000264.5(PTCH1):c.4231G>C (p.Asp1411His)

Gene: PTCH1 (patched 1; minus strand). Cytogenetic location: 9q22.32.
Variant type: single nucleotide variant.
Coding change: c.4231G>C on transcript NM_000264.5 (MANE Select); coding-DNA position 4231, G replaced by C.
Protein change: p.Asp1411His; replaces aspartic acid 1411 with histidine.
Molecular consequence: missense variant. On other transcripts: non-coding transcript variant (1).
Genome position (GRCh38, 1-based): chr9:95,447,025, C>G on the plus strand (G>C on the coding strand, the complement: PTCH1 is on the minus strand). VCF-style: chr9-95447025-C-G. GRCh37 (hg19) VCF-style: chr9-98209307-C-G.
Other names: c.4033G>C, p.Asp1345His (NM_001083602.3); c.4228G>C, p.Asp1410His (NM_001083603.3); c.3778G>C, p.Asp1260His (NM_001083604.3, NM_001083605.3, NM_001083606.3 and 1 more transcripts); c.4075G>C, p.Asp1359His (NM_001354918.2); short protein forms D1410H, D1345H, D1411H, D1260H, D1359H.
Identifiers: ClinVar variation 2564390 (VCV002564390.2), dbSNP rs759892989, ClinGen allele CA374110067.